The following is an entry in ClinVar:

ClinVar aggregate classification (germline): Uncertain significance. Review status: criteria provided, multiple submitters, no conflicts (2 of 4 stars). 2 submissions from 2 submitters: Uncertain significance (2). Last evaluated 2025-10-29.

Conditions:
Neuroblastoma, susceptibility to, 3. Also called: ALK-Related Neuroblastic Tumor Susceptibility. Identifiers: Orphanet 635, MedGen C2751681, MONDO:0013083, OMIM 613014.
Hereditary cancer-predisposing syndrome. Also called: Neoplastic Syndromes, Hereditary; Hereditary neoplastic syndrome; Tumor predisposition; Hereditary Cancer Syndrome. Identifiers: Orphanet 140162, MedGen C0027672, MeSH D009386, MONDO:0015356.

Submissions (2):

Labcorp Genetics (formerly Invitae), Labcorp
Classification: Uncertain significance for Neuroblastoma, susceptibility to, 3. Last evaluated: 2025-10-29. Review status: criteria provided, single submitter. Criteria: Invitae Variant Classification Sherloc (09022015). Collection method: clinical testing. Allele origin: germline.
Comment: This sequence change replaces leucine, which is neutral and non-polar, with histidine, which is basic and polar, at codon 216 of the ALK protein (p.Leu216His). This variant is not present in population databases (gnomAD no frequency). This variant has not been reported in the literature in individuals affected with ALK-related conditions. ClinVar contains an entry for this variant (Variation ID: 3284933). An algorithm developed to predict the effect of missense changes on protein structure and function (PolyPhen-2) suggests that this variant is likely to be disruptive. In summary, the available evidence is currently insufficient to determine the role of this variant in disease. Therefore, it has been classified as a Variant of Uncertain Significance.

Ambry Genetics
Classification: Uncertain significance for Hereditary cancer-predisposing syndrome. Last evaluated: 2024-06-01. Review status: criteria provided, single submitter. Criteria: Ambry Variant Classification Scheme 2023. Collection method: clinical testing. Allele origin: germline.
Comment: The p.L216H variant (also known as c.647T>A), located in coding exon 1 of the ALK gene, results from a T to A substitution at nucleotide position 647. The leucine at codon 216 is replaced by histidine, an amino acid with similar properties. This amino acid position is conserved. In addition, this alteration is predicted to be deleterious by in silico analysis. Based on the available evidence, the clinical significance of this variant remains unclear.

NM_004304.5(ALK):c.647T>A (p.Leu216His)

Gene: ALK (ALK receptor tyrosine kinase; minus strand). Cytogenetic location: 2p23.1.
Variant type: single nucleotide variant.
Coding change: c.647T>A on transcript NM_004304.5 (MANE Select); coding-DNA position 647, T replaced by A.
Protein change: p.Leu216His; replaces leucine 216 with histidine.
Molecular consequence: missense variant.
Genome position (GRCh38, 1-based): chr2:29,920,013, A>T on the plus strand (T>A on the coding strand, the complement: ALK is on the minus strand). VCF-style: chr2-29920013-A-T. GRCh37 (hg19) VCF-style: chr2-30142879-A-T.
Other names: short protein forms L216H.
Identifiers: ClinVar variation 3284933 (VCV003284933.3).
Genomic context (GRCh38, chr2:29,920,013, plus strand): 5'-AAACACTAAATCCCGGCACACTCAGGCGGGAGCTGCTCACCAGTCCCGAAGATCTGGAAG[A>T]GAAGGCGGGGCTGGGAGGCGCGAATTGCCGCGGACAGCCTTCCCTCTCTGCCCACTTCCG-3'
Protein context (NP_004295.2, residues 206-226): AAIRASQPRL[Leu216His]FQIFGTGHSS